The following is an entry in ClinVar:

ClinVar aggregate classification (germline): Pathogenic (1 of 4 stars; one submission).

Conditions:
Hereditary breast ovarian cancer syndrome. Also called: Breast and ovarian cancer; Hereditary breast and ovarian cancer; BRCA1- and BRCA2-Associated Hereditary Breast and Ovarian Cancer; Hereditary breast and/or ovarian cancer syndrome; Hereditary breast and ovarian cancer syndrome; Hereditary breast and ovarian cancer syndrome (HBOC). Identifiers: Orphanet 145, MedGen C0677776, MeSH D061325, MONDO:0003582. Disease mechanism: loss of function.

Submission:

Labcorp Genetics (formerly Invitae), Labcorp
Classification: Pathogenic for Hereditary breast ovarian cancer syndrome. Last evaluated: 2016-10-14. Review status: criteria provided, single submitter. Criteria: Invitae Variant Classification Sherloc (09022015). Collection method: clinical testing. Allele origin: germline.
Comment: This variant is a gross deletion of the genomic region encompassing exons 20-23 of the BRCA1 gene. The 5' boundary is likely confined to intron 19. The 3' end of this event is unknown as it extends through the termination codon beyond the assayed region for this gene and may encompass additional genes. While this deletion is not anticipated to result in nonsense mediated decay, it is expected to result in the loss of amino acids Ile1760-Tyr1863 of the BRCA1 protein, including the translational stop codon, thereby truncating the C-terminal BRCT domain (PMID: 22843421). Deletions encompassing exons 20-23, which in the literature are known as deletions of exons 21-24, have been reported in individuals affected with breast and ovarian cancer (PMID: 16551709, 22544547, 20232141, 17688236). For these reasons, this variant has been classified as Pathogenic.

NC_000017.11:g.(?_43045678)_(43051117_?)del

Gene: BRCA1 (BRCA1 DNA repair associated; minus strand). Cytogenetic location: 17q21.31.
Variant type: Deletion.
Identifiers: ClinVar variation 437839 (VCV000437839.1).